The following is an entry in ClinVar:

ClinVar aggregate classification (germline): Conflicting classifications of pathogenicity. Review status: criteria provided, conflicting classifications (1 of 4 stars). 2 submissions from 2 submitters: Uncertain significance (1); Likely benign (1). Last evaluated 2026-01-25.

Conditions:
Inborn genetic diseases. Identifiers: MedGen C0950123, MeSH D030342.
Maple syrup urine disease (MSUD). Identifiers: Orphanet 511, MedGen C0024776, MeSH D008375, MONDO:0009563. Disease mechanism: loss of function.

Allele frequency attached by ClinVar (database versions not stated): gnomAD 0.00002 and 0.00004; TOPMed 0.00004; gnomAD exomes 0.00006; ExAC 0.00008; ESP Exome Variant Server 0.00015.

Submissions (2):

Labcorp Genetics (formerly Invitae), Labcorp
Classification: Likely benign for Maple syrup urine disease. Last evaluated: 2026-01-25. Review status: criteria provided, single submitter. Criteria: Invitae Variant Classification Sherloc (09022015). Collection method: clinical testing. Allele origin: germline.

Ambry Genetics
Classification: Uncertain significance for Inborn genetic diseases. Last evaluated: 2024-09-14. Review status: criteria provided, single submitter. Criteria: Ambry Variant Classification Scheme 2023. Collection method: clinical testing. Allele origin: germline.
Comment: The p.R429H variant (also known as c.1286G>A), located in coding exon 9 of the BCKDHA gene, results from a G to A substitution at nucleotide position 1286. The arginine at codon 429 is replaced by histidine, an amino acid with highly similar properties. This amino acid position is conserved. In addition, the in silico prediction for this alteration is inconclusive. Based on the available evidence, the clinical significance of this variant remains unclear.

NM_000709.4(BCKDHA):c.1286G>A (p.Arg429His)

Gene: BCKDHA (branched chain keto acid dehydrogenase E1 subunit alpha; plus strand). Cytogenetic location: 19q13.2.
Variant type: single nucleotide variant.
Coding change: c.1286G>A on transcript NM_000709.4 (MANE Select); coding-DNA position 1286, G replaced by A.
Protein change: p.Arg429His; replaces arginine 429 with histidine.
Molecular consequence: missense variant.
Genome position (GRCh38, 1-based): chr19:41,424,556, G>A. VCF-style: chr19-41424556-G-A. GRCh37 (hg19) VCF-style: chr19-41930461-G-A.
Other names: c.1286G>A (NM_000709.3); c.1283G>A, p.Arg428His (NM_001164783.2); short protein forms R428H, R429H.
Identifiers: ClinVar variation 1114459 (VCV001114459.11), dbSNP rs143065803, ClinGen allele CA9461422.